The following is an entry in ClinVar:

ClinVar aggregate classification (germline): Likely pathogenic (1 of 4 stars; one submission).

Conditions:
Congenital adrenal hyperplasia due to cytochrome P450 oxidoreductase deficiency. Also called: DISORDERED STEROIDOGENESIS DUE TO POR DEFICIENCY. Identifiers: Orphanet 95699, MedGen C1860042, MONDO:0013310, OMIM 613571.

Allele frequency attached by ClinVar (database versions not stated): TOPMed below 0.00001; gnomAD 0.00001; ESP Exome Variant Server 0.00008.
gnomAD v4.1: 2 of 1,587,242 alleles (0.00013%); highest among the groups gnomAD compares: African/African-American, 0.0013%; no homozygotes.

Submission:

Labcorp Genetics (formerly Invitae), Labcorp
Classification: Likely pathogenic for Congenital adrenal hyperplasia due to cytochrome P450 oxidoreductase deficiency. Last evaluated: 2023-12-09. Review status: criteria provided, single submitter. Criteria: Invitae Variant Classification Sherloc (09022015). Collection method: clinical testing. Allele origin: germline.
Comment: This sequence change affects a donor splice site in intron 12 of the POR gene. It is expected to disrupt RNA splicing. Variants that disrupt the donor or acceptor splice site typically lead to a loss of protein function (PMID: 16199547), and loss-of-function variants in POR are known to be pathogenic (PMID: 14758361, 20732302, 21741353). This variant is not present in population databases (gnomAD no frequency). This variant has not been reported in the literature in individuals affected with POR-related conditions. Algorithms developed to predict the effect of sequence changes on RNA splicing suggest that this variant may disrupt the consensus splice site. In summary, the currently available evidence indicates that the variant is pathogenic, but additional data are needed to prove that conclusively. Therefore, this variant has been classified as Likely Pathogenic.

Literature cited by the submitters: PubMed 16199547; PubMed 14758361; PubMed 20732302; PubMed 21741353.

NM_001395413.1(POR):c.1389+1G>A

Gene: POR (cytochrome p450 oxidoreductase; plus strand). Cytogenetic location: 7q11.23.
Variant type: single nucleotide variant.
Coding change: c.1389+1G>A on transcript NM_001395413.1 (MANE Select); the canonical splice donor site of the intron after coding-DNA position 1389, G replaced by A.
Molecular consequence: splice donor variant. On other transcripts: intron variant (1).
Genome position (GRCh38, 1-based): chr7:75,985,208, G>A. VCF-style: chr7-75985208-G-A. GRCh37 (hg19) VCF-style: chr7-75614526-G-A.
Other names: c.1239+250G>A (NM_001382662.3); c.1389+1G>A (NM_001382659.3, NM_001367562.3, NM_001382658.3 and 1 more transcripts); c.1443+1G>A (NM_001382655.3).
Identifiers: ClinVar variation 3022197 (VCV003022197.3), dbSNP rs371322093, ClinGen allele CA4304100.